The following is an entry in ClinVar:

ClinVar aggregate classification (germline): Uncertain significance (0 of 4 stars; one submission).

Conditions:
Autism (AUTS). Also called: Autistic disorder; Autistic disorder of childhood onset. Identifiers: MedGen C0004352, MeSH D001321, MONDO:0005260, OMIM 209850, HP:0000717.

Submission:

Centre for Addiction & Mental Health
Classification: Uncertain significance for Autism. Review status: no assertion criteria provided. Collection method: research. Allele origin: biparental. Affected: yes. Observed: 1 homozygote. Segregation with disease observed.
Comment: Gene not previously associated with disease; independent supportng evidence needed

NM_199351.3(ILDR2):c.1187_1188del (p.Glu396fs)

Gene: ILDR2 (immunoglobulin like domain containing receptor 2; minus strand). Cytogenetic location: 1q24.1.
Variant type: Microsatellite.
Coding change: c.1187_1188del on transcript NM_199351.3 (MANE Select); coding-DNA positions 1187 to 1188, 2 bases deleted (AG; older notation c.1187_1188delAG).
Protein change: p.Glu396fs; shifts the reading frame from glutamic acid 396.
Molecular consequence: frameshift variant.
Genome position (GRCh38, 1-based): chr1:166,922,616-166,922,617, CT deleted on the plus strand (AG on the coding strand, the reverse complement: ILDR2 is on the minus strand); deleting any 2 consecutive bases within chr1:166,922,616-166,922,619 gives the same sequence; the c. name uses the placement nearest the transcript's 3' end. VCF-style (leftmost placement, unchanged base first): chr1-166922615-CCT-C. GRCh37 (hg19) VCF-style: chr1-166891852-CCT-C.
Other names: c.1130_1131del, p.Glu377fs (NM_001410891.1); c.1010_1011del, p.Glu337fs (NM_001410892.1); short protein forms E337fs, E377fs, E396fs.
Identifiers: ClinVar variation 3338187 (VCV003338187.2).